The following is an entry in ClinVar:

ClinVar aggregate classification (germline): Uncertain significance. Review status: criteria provided, multiple submitters, no conflicts (2 of 4 stars). 2 submissions from 2 submitters: Uncertain significance (2). Last evaluated 2024-06-03.

Conditions:
Sialic acid storage disease, severe infantile type (ISSD). Also called: Infantile Sialic Acid Storage Disease; INFANTILE SIALIC ACID STORAGE DISORDER; N-ACETYLNEURAMINIC ACID STORAGE DISEASE; NANA STORAGE DISEASE; SIALURIA, INFANTILE FORM; Free sialic acid storage disease, infantile form. Identifiers: Orphanet 309324, Orphanet 834, MedGen C1096902, MONDO:0010027, OMIM 269920.
Salla disease (SD). Also called: Sialuria, Finnish type; N-acetylneuraminic acid (NANA) storage disease (NSD); Infantile sialic acid storage disorder (ISSD); Less Severe FSASD (Salla Disease). Identifiers: Orphanet 309334, Orphanet 834, MedGen C1096903, MONDO:0011449, OMIM 604369.

Allele frequency attached by ClinVar (database versions not stated): ExAC 0.00002.
gnomAD v4.1: 11 of 1,614,094 alleles (0.00068%); highest among the groups gnomAD compares: East Asian, 0.0089%; no homozygotes.

Submissions (2):

Fulgent Genetics
Classification: Uncertain significance for Sialic acid storage disease, severe infantile type; Salla disease. Last evaluated: 2024-06-03. Review status: criteria provided, single submitter. Criteria: ACMG Guidelines, 2015. Collection method: clinical testing. Allele origin: germline.

Labcorp Genetics (formerly Invitae), Labcorp
Classification: Uncertain significance for Salla disease. Last evaluated: 2022-01-17. Review status: criteria provided, single submitter. Criteria: Invitae Variant Classification Sherloc (09022015). Collection method: clinical testing. Allele origin: germline.
Comment: This sequence change replaces phenylalanine, which is neutral and non-polar, with leucine, which is neutral and non-polar, at codon 141 of the SLC17A5 protein (p.Phe141Leu). This variant is present in population databases (rs779264733, gnomAD 0.02%). This variant has not been reported in the literature in individuals affected with SLC17A5-related conditions. Algorithms developed to predict the effect of missense changes on protein structure and function output the following: SIFT: "Tolerated"; PolyPhen-2: "Benign"; Align-GVGD: "Class C0". The leucine amino acid residue is found in multiple mammalian species, which suggests that this missense change does not adversely affect protein function. In summary, the available evidence is currently insufficient to determine the role of this variant in disease. Therefore, it has been classified as a Variant of Uncertain Significance.

NM_012434.5(SLC17A5):c.421T>C (p.Phe141Leu)

Gene: SLC17A5 (solute carrier family 17 member 5; minus strand). Cytogenetic location: 6q13.
Variant type: single nucleotide variant.
Coding change: c.421T>C on transcript NM_012434.5 (MANE Select); coding-DNA position 421, T replaced by C.
Protein change: p.Phe141Leu; replaces phenylalanine 141 with leucine.
Molecular consequence: missense variant.
Genome position (GRCh38, 1-based): chr6:73,641,795, A>G on the plus strand (T>C on the coding strand, the complement: SLC17A5 is on the minus strand). VCF-style: chr6-73641795-A-G. GRCh37 (hg19) VCF-style: chr6-74351518-A-G.
Other names: c.190T>C, p.Phe64Leu (NM_001382629.1, NM_001382636.1); c.421T>C, p.Phe141Leu (NM_001382630.1, NM_001382632.1, NM_001382633.1 and 2 more transcripts); c.442T>C, p.Phe148Leu (NM_001382631.1); short protein forms F141L, F148L, F64L.
Identifiers: ClinVar variation 2171709 (VCV002171709.2), dbSNP rs779264733, ClinGen allele CA3890534.
Genomic context (GRCh38, chr6:73,641,795, plus strand): 5'-CTCCTAAATCTGCAGCAATGGGAGTGAACAGGGTGAGGACAGCAGTGCCAAGGATCCCAA[A>G]TCCTAGCAGCATTTTCCCCCCTATTTTGCTGGCAACATATCCTCCAGGAATCTGTGTGAT-3'
Protein context (NP_036566.1, residues 131-151): SKIGGKMLLG[Phe141Leu]GILGTAVLTL